The following is an entry in ClinVar:

NM_031935.3(HMCN1):c.7652T>C (p.Leu2551Ser)

Gene: HMCN1 (hemicentin 1; plus strand). Cytogenetic location: 1q31.1.
Variant type: single nucleotide variant.
Coding change: c.7652T>C on transcript NM_031935.3 (MANE Select); coding-DNA position 7652, T replaced by C.
Protein change: p.Leu2551Ser; replaces leucine 2551 with serine.
Molecular consequence: missense variant.
Genome position (GRCh38, 1-based): chr1:186,065,376, T>C. VCF-style: chr1-186065376-T-C. GRCh37 (hg19) VCF-style: chr1-186034508-T-C.
Other names: short protein forms L2551S.
Identifiers: ClinVar variation 294190 (VCV000294190.17), dbSNP rs116300191, ClinGen allele CA1292902.
Genomic context (GRCh38, chr1:186,065,376, plus strand): 5'-GTGGCCGTTTTCTTCAAATTACCAATGTCCAGGTGCCACACACTGGAAGATATACATGTT[T>C]GGCTTCCAGTCCAGCTGGCCACAAGAGCAGGAGCTTCAGTCTTAATGTATTTGGTAGGTG-3'
Protein context (NP_114141.2, residues 2541-2561): QVPHTGRYTC[Leu2551Ser]ASSPAGHKSR

ClinVar aggregate classification (germline): Benign/Likely benign. Review status: criteria provided, multiple submitters, no conflicts (2 of 4 stars). 5 submissions from 5 submitters: Benign (3); Likely benign (1). 1 of the submissions does not count toward it. Last evaluated 2026-01-19.

Conditions:
Age related macular degeneration 1 (ARMD1). Also called: MACULOPATHY, AGE-RELATED, 1. Identifiers: MedGen C1864205, MONDO:0011285, OMIM 603075.
HMCN1-related disorder. Also called: HMCN1-related condition.

Allele frequency attached by ClinVar (database versions not stated): gnomAD exomes 0.00041 and 0.00118; ExAC 0.00143; gnomAD 0.00407 and 0.00436; 1000 Genomes Project 30x 0.00437; 1000 Genomes Project 0.00439; TOPMed 0.00505; ESP Exome Variant Server 0.00538.
gnomAD v4.1: 1,248 of 1,611,270 alleles (0.077%); highest among the groups gnomAD compares: African/African-American, 1.4%; 8 homozygotes.

Submissions (5):

Labcorp Genetics (formerly Invitae), Labcorp
Classification: Benign. Last evaluated: 2026-01-19. Review status: criteria provided, single submitter. Criteria: Invitae Variant Classification Sherloc (09022015). Collection method: clinical testing. Allele origin: germline.

Blueprint Genetics
Classification: Likely benign. Last evaluated: 2024-11-14. Review status: criteria provided, single submitter. Criteria: ACMG Guidelines, 2015. Collection method: clinical testing. Allele origin: germline.

Genome-Nilou Lab
Classification: Benign for Age related macular degeneration 1. Last evaluated: 2023-04-11. Review status: criteria provided, single submitter. Criteria: ACMG Guidelines, 2015. Collection method: clinical testing. Allele origin: germline. Affected: no.

Illumina Laboratory Services, Illumina
Classification: Benign for Age related macular degeneration 1. Last evaluated: 2018-01-13. Review status: criteria provided, single submitter. Criteria: ICSL Variant Classification Criteria 13 December 2019. Collection method: clinical testing. Allele origin: germline.
Comment: This variant was observed in the ICSL laboratory as part of a predisposition screen in an ostensibly healthy population. It had not been previously curated by ICSL or reported in the Human Gene Mutation Database (HGMD: prior to June 1st, 2018), and was therefore a candidate for classification through an automated scoring system. Utilizing variant allele frequency, disease prevalence and penetrance estimates, and inheritance mode, an automated score was calculated to assess if this variant is too frequent to cause the disease. Based on the score and internal cut-off values, a variant classified as benign is not then subjected to further curation. The score for this variant resulted in a classification of benign for this disease.

PreventionGenetics, part of Exact Sciences
Classification: Benign for HMCN1-related condition. Last evaluated: 2019-05-30. Review status: no assertion criteria provided. Collection method: clinical testing. Allele origin: germline. Not counted in ClinVar's aggregate classification.
Comment: This variant is classified as benign based on ACMG/AMP sequence variant interpretation guidelines (Richards et al. 2015 PMID: 25741868, with internal and published modifications).